The following is an entry in ClinVar:

ClinVar aggregate classification (germline): Pathogenic (1 of 4 stars; one submission).

Conditions:
Breast-ovarian cancer, familial, susceptibility to, 1 (BROVCA1). Also called: OVARIAN CANCER, SUSCEPTIBILITY TO; BRCA1 Hereditary Breast and Ovarian Cancer. Identifiers: Orphanet 145, MedGen C2676676, MONDO:0011450, OMIM 604370. Disease mechanism: loss of function.

Submission:

Myriad Genetics, Inc.
Classification: Pathogenic for Breast-ovarian cancer, familial, susceptibility to, 1. Last evaluated: 2026-04-16. Review status: criteria provided, single submitter. Criteria: Myriad Autosomal Dominant, Autosomal Recessive and X-Linked Classification Criteria (2023). Collection method: clinical testing. Allele origin: unknown.
Comment: This variant is considered pathogenic. This variant creates a frameshift predicted to result in premature protein truncation.

NM_007294.4(BRCA1):c.834_840del (p.His279fs)

Gene: BRCA1 (BRCA1 DNA repair associated; minus strand). Cytogenetic location: 17q21.31.
Variant type: Deletion.
Coding change: c.834_840del on transcript NM_007294.4 (MANE Select); coding-DNA positions 834 to 840, 7 bases deleted (TCATGCC; older notation c.834_840delTCATGCC).
Protein change: p.His279fs; shifts the reading frame from histidine 279.
Molecular consequence: frameshift variant. On other transcripts: 5 prime UTR variant (2), intron variant (137).
Genome position (GRCh38, 1-based): chr17:43,094,691-43,094,697, GGCATGA deleted on the plus strand (TCATGCC on the coding strand, the reverse complement: BRCA1 is on the minus strand); deleting any 7 consecutive bases within chr17:43,094,691-43,094,698 gives the same sequence; the c. name uses the placement nearest the transcript's 3' end. VCF-style (leftmost placement, unchanged base first): chr17-43094690-TGGCATGA-T. GRCh37 (hg19) VCF-style: chr17-41246707-TGGCATGA-T.
Other names: c.621_627del, p.His208fs (NM_001407571.1, NM_001407915.1, NM_001407916.1 and 9 more transcripts); c.834_840del, p.His279fs (NM_001407581.1, NM_001407582.1, NM_001407583.1 and 30 more transcripts); c.831_837del, p.His278fs (NM_001407587.1, NM_001407590.1, NM_001407591.1 and 22 more transcripts); c.624_630del, p.His209fs (NM_001407900.1, NM_001407902.1, NM_001407904.1 and 13 more transcripts); c.711_717del, p.His238fs (NM_001407919.1, NM_001407937.1, NM_001407938.1 and 19 more transcripts); c.570_576del, p.His191fs (NM_001407920.1, NM_001407921.1, NM_001407922.1 and 9 more transcripts); c.567_573del, p.His190fs (NM_001407930.1, NM_001407931.1, NM_001407932.1 and 2 more transcripts); c.708_714del, p.His237fs (NM_001407940.1, NM_001407941.1, NM_001407649.1 and 11 more transcripts); and 40 more; short protein forms H111fs, H151fs, H152fs, H167fs, H168fs, H190fs, H191fs, H208fs.
Identifiers: ClinVar variation 4876004 (VCV004876004.1).
Genomic context (GRCh38, chr17:43,094,690, plus strand): 5'-TTTCTACATTCATTCTGTCTTTAGTGAGTAATAAACTGCTGTTCTCATGCTGTAATGAGC[TGGCATGA>T]GTATTTGTGCCACATGGCTCCACATGCAAGTTTGAAACAGAACTACCCTGATACTTTTCT-3'